The following is an entry in ClinVar:

ClinVar aggregate classification (germline): Uncertain significance (1 of 4 stars; one submission).

Submission:

Ambry Genetics
Classification: Uncertain significance. Last evaluated: 2025-12-21. Review status: criteria provided, single submitter. Criteria: Ambry Variant Classification Scheme 2023. Collection method: clinical testing. Allele origin: germline.
Comment: The p.P863R variant (also known as c.2588C>G), located in coding exon 1 of the MLH3 gene, results from a C to G substitution at nucleotide position 2588. The proline at codon 863 is replaced by arginine, an amino acid with dissimilar properties. This amino acid position is conserved. In addition, this alteration is predicted to be tolerated by in silico analysis. Based on the available evidence, the clinical significance of this variant remains unclear.

NM_001040108.2(MLH3):c.2588C>G (p.Pro863Arg)

Gene: MLH3 (mutL homolog 3; minus strand). Cytogenetic location: 14q24.3.
Variant type: single nucleotide variant.
Coding change: c.2588C>G on transcript NM_001040108.2 (MANE Select); coding-DNA position 2588, C replaced by G.
Protein change: p.Pro863Arg; replaces proline 863 with arginine.
Molecular consequence: missense variant.
Genome position (GRCh38, 1-based): chr14:75,047,068, G>C on the plus strand (C>G on the coding strand, the complement: MLH3 is on the minus strand). VCF-style: chr14-75047068-G-C. GRCh37 (hg19) VCF-style: chr14-75513771-G-C.
Other names: c.2588C>G, p.Pro863Arg (NM_014381.3); short protein forms P863R.
Identifiers: ClinVar variation 4841829 (VCV004841829.1).